The following is an entry in ClinVar:

NM_003072.5(SMARCA4):c.1986AGA[2] (p.Glu672del)

Gene: SMARCA4 (SWI/SNF related BAF chromatin remodeling complex subunit ATPase 4; plus strand). Cytogenetic location: 19p13.2.
Variant type: Microsatellite.
Coding change: c.1986AGA[2] on transcript NM_003072.5 (MANE Select); two copies in a row of the 3-base unit AGA starting at c.1986; the reference has three copies in a row; one copy, 3 bases deleted.
Protein change: p.Glu672del; deletes glutamic acid 672.
Molecular consequence: inframe deletion. On other transcripts: inframe indel (1), non-coding transcript variant (1).
Genome position (GRCh38, 1-based): chr19:11,003,388-11,003,390, AGA deleted; deleting any 3 consecutive bases within chr19:11,003,382-11,003,390 gives the same sequence; the position shown is the placement nearest the transcript's 3' end. VCF-style (leftmost placement, unchanged base first): chr19-11003381-CAGA-C. GRCh37 (hg19) VCF-style: chr19-11114057-CAGA-C.
Other names: c.1986AGA[2], p.Glu672del (NM_001128844.3, NM_001128845.2, NM_001128846.2 and 5 more transcripts); c.1986_1988AGA[2], p.Glu672del (NM_001411150.1); short protein forms E672del.
Identifiers: ClinVar variation 1783981 (VCV001783981.5), dbSNP rs2514467407, ClinGen allele CA2580613047.

ClinVar aggregate classification (germline): Uncertain significance. Review status: criteria provided, multiple submitters, no conflicts (2 of 4 stars). 2 submissions from 2 submitters: Uncertain significance (2). Last evaluated 2025-09-09.

Conditions:
Hereditary cancer-predisposing syndrome. Also called: Neoplastic Syndromes, Hereditary; Tumor predisposition; Hereditary Cancer Syndrome; Hereditary neoplastic syndrome. Identifiers: Orphanet 140162, MedGen C0027672, MeSH D009386, MONDO:0015356.
Rhabdoid tumor predisposition syndrome 2 (RTPS2). Identifiers: Orphanet 231108, Orphanet 69077, MedGen C2750074, MONDO:0013224, OMIM 613325.

Submissions (2):

Labcorp Genetics (formerly Invitae), Labcorp
Classification: Uncertain significance for Rhabdoid tumor predisposition syndrome 2. Last evaluated: 2025-09-09. Review status: criteria provided, single submitter. Criteria: Invitae Variant Classification Sherloc (09022015). Collection method: clinical testing. Allele origin: germline.
Comment: This variant, c.1992_1994del, results in the deletion of 1 amino acid(s) of the SMARCA4 protein (p.Glu672del), but otherwise preserves the integrity of the reading frame. This variant is not present in population databases (gnomAD no frequency). This variant has not been reported in the literature in individuals affected with SMARCA4-related conditions. Experimental studies and prediction algorithms are not available or were not evaluated, and the functional significance of this variant is currently unknown. In summary, the available evidence is currently insufficient to determine the role of this variant in disease. Therefore, it has been classified as a Variant of Uncertain Significance.

Ambry Genetics
Classification: Uncertain significance for Hereditary cancer-predisposing syndrome. Last evaluated: 2021-06-04. Review status: criteria provided, single submitter. Criteria: Ambry Variant Classification Scheme 2023. Collection method: clinical testing. Allele origin: germline.
Comment: The c.1992_1994delAGA variant (also known as p.E672del) is located in coding exon 12 of the SMARCA4 gene. This variant results from an in-frame AGA deletion at nucleotide positions 1992 to 1994. This results in the in-frame deletion of a glutamic acid at codon 672. This amino acid position is well conserved in available vertebrate species. In addition, this alteration is predicted to be neutral by in silico analysis (Choi Y et al. PLoS ONE. 2012; 7(10):e46688). Since supporting evidence is limited at this time, the clinical significance of this alteration remains unclear.